The following is an entry in ClinVar:

NM_024120.5(NDUFAF5):c.286C>A (p.Leu96Ile)

Gene: NDUFAF5 (NADH:ubiquinone oxidoreductase complex assembly factor 5; plus strand). Cytogenetic location: 20p12.1.
Variant type: single nucleotide variant.
Coding change: c.286C>A on transcript NM_024120.5 (MANE Select); coding-DNA position 286, C replaced by A.
Protein change: p.Leu96Ile; replaces leucine 96 with isoleucine.
Molecular consequence: missense variant. On other transcripts: 5 prime UTR variant (3), non-coding transcript variant (7).
Genome position (GRCh38, 1-based): chr20:13,788,611, C>A. VCF-style: chr20-13788611-C-A. GRCh37 (hg19) VCF-style: chr20-13769257-C-A.
Other names: c.286C>A, p.Leu96Ile (NM_001039375.3, NM_001352408.2); c.-82C>A (NM_001352403.2); c.-296C>A (NM_001352406.2); c.-276C>A (NM_001352407.2); short protein forms L96I.
Identifiers: ClinVar variation 2055238 (VCV002055238.1), dbSNP rs2516118140, ClinGen allele CA408282656.

ClinVar aggregate classification (germline): Uncertain significance (1 of 4 stars; one submission).

Submission:

Labcorp Genetics (formerly Invitae), Labcorp
Classification: Uncertain significance. Last evaluated: 2022-02-20. Review status: criteria provided, single submitter. Criteria: Invitae Variant Classification Sherloc (09022015). Collection method: clinical testing. Allele origin: germline.
Comment: This sequence change replaces leucine, which is neutral and non-polar, with isoleucine, which is neutral and non-polar, at codon 96 of the NDUFAF5 protein (p.Leu96Ile). This variant is not present in population databases (gnomAD no frequency). This variant has not been reported in the literature in individuals affected with NDUFAF5-related conditions. Algorithms developed to predict the effect of missense changes on protein structure and function output the following: SIFT: "Tolerated"; PolyPhen-2: "Benign"; Align-GVGD: "Class C0". The isoleucine amino acid residue is found in multiple mammalian species, which suggests that this missense change does not adversely affect protein function. In summary, the available evidence is currently insufficient to determine the role of this variant in disease. Therefore, it has been classified as a Variant of Uncertain Significance.